The following is an entry in ClinVar:

NM_020843.4(SCAPER):c.3292C>G (p.Arg1098Gly)

Genes: SCAPER (S-phase cyclin A associated protein in the ER; minus strand), LOC126862183 (BRD4-independent group 4 enhancer GRCh37_chr15:76726060-76727259; plus strand). Cytogenetic location: 15q24.3.
Variant type: single nucleotide variant.
Coding change: c.3292C>G on transcript NM_020843.4 (MANE Select); coding-DNA position 3292, C replaced by G.
Protein change: p.Arg1098Gly; replaces arginine 1098 with glycine.
Molecular consequence: missense variant. On other transcripts: non-coding transcript variant (1).
Genome position (GRCh38, 1-based): chr15:76,434,097, G>C on the plus strand (C>G on the coding strand, the complement: SCAPER is on the minus strand). VCF-style: chr15-76434097-G-C. GRCh37 (hg19) VCF-style: chr15-76726438-G-C.
Other names: c.2554C>G, p.Arg852Gly (NM_001145923.2); c.3310C>G, p.Arg1104Gly (NM_001353009.2); c.2890C>G, p.Arg964Gly (NM_001353010.2, NM_001353012.2); c.2908C>G, p.Arg970Gly (NM_001353011.2); short protein forms R1104G, R970G, R1098G, R852G, R964G.
Identifiers: ClinVar variation 5002516 (VCV005002516.1).

ClinVar aggregate classification (germline): Uncertain significance (1 of 4 stars; one submission).

Conditions:
SCAPER-related disorder. Also called: SCAPER-related condition.

Submission:

PreventionGenetics, part of Exact Sciences
Classification: Uncertain significance for SCAPER-related condition. Last evaluated: 2025-02-04. Review status: criteria provided, single submitter. Criteria: ACMG Guidelines, 2015. Collection method: clinical testing. Allele origin: germline.
Comment: The SCAPER c.3310C>G variant is predicted to result in the amino acid substitution p.Arg1104Gly. To our knowledge, this variant has not been reported in the literature or in a large population database (gnomAD), indicating this variant is rare. At this time, the clinical significance of this variant is uncertain due to the absence of conclusive functional and genetic evidence.